The following is an entry in ClinVar:

NM_001122752.2(SERPINI1):c.542T>C (p.Ile181Thr)

Gene: SERPINI1 (serpin family I member 1; plus strand). Cytogenetic location: 3q26.1.
Variant type: single nucleotide variant.
Coding change: c.542T>C on transcript NM_001122752.2 (MANE Select); coding-DNA position 542, T replaced by C.
Protein change: p.Ile181Thr; replaces isoleucine 181 with threonine.
Molecular consequence: missense variant.
Genome position (GRCh38, 1-based): chr3:167,792,650, T>C. VCF-style: chr3-167792650-T-C. GRCh37 (hg19) VCF-style: chr3-167510438-T-C.
Other names: c.542T>C, p.Ile181Thr (NM_005025.5); short protein forms I181T.
Identifiers: ClinVar variation 3645285 (VCV003645285.2).

ClinVar aggregate classification (germline): Uncertain significance (1 of 4 stars; one submission).

Conditions:
Familial encephalopathy with neuroserpin inclusion bodies. Also called: ENCEPHALOPATHY, FAMILIAL, WITH COLLINS BODIES. Identifiers: Orphanet 85110, MedGen C1858680, MONDO:0011412, OMIM 604218.

Submission:

Labcorp Genetics (formerly Invitae), Labcorp
Classification: Uncertain significance for Familial encephalopathy with neuroserpin inclusion bodies. Last evaluated: 2024-05-30. Review status: criteria provided, single submitter. Criteria: Invitae Variant Classification Sherloc (09022015). Collection method: clinical testing. Allele origin: germline.
Comment: This sequence change replaces isoleucine, which is neutral and non-polar, with threonine, which is neutral and polar, at codon 181 of the SERPINI1 protein (p.Ile181Thr). This variant is not present in population databases (gnomAD no frequency). This variant has not been reported in the literature in individuals affected with SERPINI1-related conditions. Advanced modeling of protein sequence and biophysical properties (such as structural, functional, and spatial information, amino acid conservation, physicochemical variation, residue mobility, and thermodynamic stability) performed at Invitae indicates that this missense variant is not expected to disrupt SERPINI1 protein function with a negative predictive value of 80%. In summary, the available evidence is currently insufficient to determine the role of this variant in disease. Therefore, it has been classified as a Variant of Uncertain Significance.